The following is an entry in ClinVar:

NM_001064.4(TKT):c.1557C>T (p.Ala519=)

Genes: TKT (transketolase; minus strand), LOC126806684 (CDK7 strongly-dependent group 2 enhancer GRCh37_chr3:53261945-53263144; plus strand). Cytogenetic location: 3p21.1.
Variant type: single nucleotide variant.
Coding change: c.1557C>T on transcript NM_001064.4 (MANE Select); coding-DNA position 1557, C replaced by T.
Protein change: p.Ala519=; no amino-acid change (alanine 519 retained).
Molecular consequence: synonymous variant. On other transcripts: non-coding transcript variant (1).
Genome position (GRCh38, 1-based): chr3:53,228,072, G>A on the plus strand (C>T on the coding strand, the complement: TKT is on the minus strand). VCF-style: chr3-53228072-G-A. GRCh37 (hg19) VCF-style: chr3-53262088-G-A.
Other names: c.1557C>T, p.Ala519= (NM_001135055.3); c.1581C>T, p.Ala527= (NM_001258028.2).
Identifiers: ClinVar variation 4534453 (VCV004534453.6).

ClinVar aggregate classification (germline): Likely benign (1 of 4 stars; one submission).

gnomAD v4.1: 11 of 1,612,816 alleles (0.00068%); highest among the groups gnomAD compares: Middle Eastern, 0.02%; no homozygotes.

Submission:

CeGaT Center for Human Genetics Tuebingen
Classification: Likely benign. Last evaluated: 2025-10-01. Review status: criteria provided, single submitter. Criteria: CeGaT Center For Human Genetics Tuebingen Variant Classification Criteria Version 2. Collection method: clinical testing. Allele origin: germline. Affected: yes. Observed: 1 variant allele.
Comment: TKT: BP4, BP7